The following is an entry in ClinVar:

NM_024334.3(TMEM43):c.333G>A (p.Pro111=)

Gene: TMEM43 (transmembrane protein 43; plus strand). Cytogenetic location: 3p25.1.
Variant type: single nucleotide variant.
Coding change: c.333G>A on transcript NM_024334.3 (MANE Select); coding-DNA position 333, G replaced by A.
Protein change: p.Pro111=; no amino-acid change (proline 111 retained).
Molecular consequence: synonymous variant.
Genome position (GRCh38, 1-based): chr3:14,131,615, G>A. VCF-style: chr3-14131615-G-A. GRCh37 (hg19) VCF-style: chr3-14173115-G-A.
Identifiers: ClinVar variation 343505 (VCV000343505.12), dbSNP rs774276092, ClinGen allele CA052968.

ClinVar aggregate classification (germline): Conflicting classifications of pathogenicity. Review status: criteria provided, conflicting classifications (1 of 4 stars). 5 submissions from 5 submitters: Uncertain significance (2); Likely benign (3). Last evaluated 2025-09-13.

Conditions:
Arrhythmogenic right ventricular dysplasia 5. Also called: Arrhythmogenic Right Ventricular Dysplasia/Cardiomyopathy 5; ARRHYTHMOGENIC RIGHT VENTRICULAR DYSPLASIA, FAMILIAL, 5. Identifiers: MedGen C1858379, MONDO:0011459, OMIM 604400.
Cardiomyopathy (CMYO). Also called: Cardiomyopathies. Identifiers: Orphanet 167848, MedGen C0878544, MONDO:0004994, HP:0001638. Inheritance: Various modes of inheritance.

Allele frequency attached by ClinVar (database versions not stated): gnomAD 0.00001; TOPMed 0.00002; gnomAD exomes 0.00003; ExAC 0.00004.
gnomAD v4.1: 42 of 1,614,034 alleles (0.0026%); highest among the groups gnomAD compares: East Asian, 0.0089%; no homozygotes.

Submissions (6):

Labcorp Genetics (formerly Invitae), Labcorp
Classification: Uncertain significance for Arrhythmogenic right ventricular dysplasia 5. Last evaluated: 2025-09-13. Review status: criteria provided, single submitter. Criteria: Invitae Variant Classification Sherloc (09022015). Collection method: clinical testing. Allele origin: germline.
Comment: This sequence change affects codon 111 of the TMEM43 mRNA. It is a 'silent' change, meaning that it does not change the encoded amino acid sequence of the TMEM43 protein. This variant is present in population databases (rs774276092, gnomAD 0.006%). This variant has not been reported in the literature in individuals affected with TMEM43-related conditions. ClinVar contains an entry for this variant (Variation ID: 343505). Algorithms developed to predict the effect of sequence changes on RNA splicing suggest that this variant may create or strengthen a splice site. In summary, the available evidence is currently insufficient to determine the role of this variant in disease. Therefore, it has been classified as a Variant of Uncertain Significance.

Blueprint Genetics
Classification: Likely benign. Last evaluated: 2024-03-12. Review status: criteria provided, single submitter. Criteria: ACMG Guidelines, 2015. Collection method: clinical testing. Allele origin: germline.

All of Us Research Program, National Institutes of Health
Classification: Likely benign for Arrhythmogenic right ventricular dysplasia 5. Last evaluated: 2023-12-01. Review status: criteria provided, single submitter. Criteria: ACMG Guidelines, 2015. Collection method: clinical testing. Allele origin: germline. Inheritance: Autosomal dominant inheritance. Observed: 7 variant alleles, 7 heterozygotes.
Comment: This study involves interpretation of variants in research participants for the purpose of population health screening. Participant phenotype was not available at the time of variant classification. Additional details can be found in publication PMID: 35346344, PMCID: PMC8962531

GeneDx
Classification: Uncertain significance. Last evaluated: 2023-11-20. Review status: criteria provided, single submitter. Criteria: GeneDx Variant Classification Process June 2021. Collection method: clinical testing. Allele origin: germline. Affected: yes.
Comment: In silico analysis supports a deleterious effect on splicing; Has not been previously published as pathogenic or benign to our knowledge

Color Diagnostics, LLC DBA Color Health
Classification: Likely benign for Cardiomyopathy. Last evaluated: 2019-02-09. Review status: criteria provided, single submitter. Criteria: ACMG Guidelines, 2015. Collection method: clinical testing. Allele origin: germline.

Dr. Peter K. Rogan Lab, Western University
No classification provided (evidence only). Condition: Squamous cell lung carcinoma. Review status: no classification provided. Collection method: in vitro. Allele origin: not applicable. Functional consequence: retained intron. Not counted in ClinVar's aggregate classification.